The following is an entry in ClinVar:

ClinVar aggregate classification (germline): Uncertain significance. Review status: criteria provided, multiple submitters, no conflicts (2 of 4 stars). 2 submissions from 2 submitters: Uncertain significance (2). Last evaluated 2025-05-04.

Conditions:
Hereditary cancer-predisposing syndrome. Also called: Neoplastic Syndromes, Hereditary; Hereditary neoplastic syndrome; Tumor predisposition; Hereditary Cancer Syndrome. Identifiers: Orphanet 140162, MedGen C0027672, MeSH D009386, MONDO:0015356.
Ataxia-telangiectasia syndrome (AT). Also called: Ataxia telangiectasia (A-T); Cerebello-oculocutaneous telangiectasia; Immunodeficiency with ataxia telangiectasia; LOUIS-BAR SYNDROME; AT, COMPLEMENTATION GROUP C; ATAXIA-TELANGIECTASIA, FRESNO VARIANT. Identifiers: Orphanet 100, MedGen C0004135, MONDO:0008840, OMIM 208900.

Allele frequency attached by ClinVar (database versions not stated): TOPMed below 0.00001.

Submissions (2):

Labcorp Genetics (formerly Invitae), Labcorp
Classification: Uncertain significance for Ataxia-telangiectasia syndrome. Last evaluated: 2025-05-04. Review status: criteria provided, single submitter. Criteria: Invitae Variant Classification Sherloc (09022015). Collection method: clinical testing. Allele origin: germline.
Comment: This sequence change replaces threonine, which is neutral and polar, with asparagine, which is neutral and polar, at codon 2252 of the ATM protein (p.Thr2252Asn). This variant is not present in population databases (gnomAD no frequency). This variant has not been reported in the literature in individuals affected with ATM-related conditions. ClinVar contains an entry for this variant (Variation ID: 231637). Invitae Evidence Modeling of protein sequence and biophysical properties (such as structural, functional, and spatial information, amino acid conservation, physicochemical variation, residue mobility, and thermodynamic stability) indicates that this missense variant is not expected to disrupt ATM protein function with a negative predictive value of 95%. In summary, the available evidence is currently insufficient to determine the role of this variant in disease. Therefore, it has been classified as a Variant of Uncertain Significance.

Ambry Genetics
Classification: Uncertain significance for Hereditary cancer-predisposing syndrome. Last evaluated: 2024-07-23. Review status: criteria provided, single submitter. Criteria: Ambry Variant Classification Scheme 2023. Collection method: clinical testing. Allele origin: germline.
Comment: The p.T2252N variant (also known as c.6755C>A), located in coding exon 45 of the ATM gene, results from a C to A substitution at nucleotide position 6755. The threonine at codon 2252 is replaced by asparagine, an amino acid with similar properties. This amino acid position is highly conserved in available vertebrate species. In addition, the in silico prediction for this alteration is inconclusive. Based on the available evidence, the clinical significance of this variant remains unclear.

NM_000051.4(ATM):c.6755C>A (p.Thr2252Asn)

Genes: ATM (ATM serine/threonine kinase; plus strand), C11orf65 (chromosome 11 open reading frame 65; minus strand). Cytogenetic location: 11q22.3.
Variant type: single nucleotide variant.
Coding change: c.6755C>A on transcript NM_000051.4 (MANE Select); coding-DNA position 6755, C replaced by A.
Protein change: p.Thr2252Asn; replaces threonine 2252 with asparagine.
Molecular consequence: missense variant. On other transcripts: intron variant (2).
Genome position (GRCh38, 1-based): chr11:108,325,492, C>A. VCF-style: chr11-108325492-C-A. GRCh37 (hg19) VCF-style: chr11-108196219-C-A.
Other names: c.6755C>A, p.Thr2252Asn (NM_001351834.2); c.641-16421G>T (NM_001330368.2); c.*38+9728G>T (NM_001351110.2); short protein forms T2252N.
Identifiers: ClinVar variation 231637 (VCV000231637.11), dbSNP rs755531586, ClinGen allele CA10579233.